The following is an entry in ClinVar:

NM_177550.5(SLC13A5):c.4G>A (p.Ala2Thr)

Gene: SLC13A5 (solute carrier family 13 member 5; minus strand). Cytogenetic location: 17p13.1.
Variant type: single nucleotide variant.
Coding change: c.4G>A on transcript NM_177550.5 (MANE Select); coding-DNA position 4, G replaced by A.
Protein change: p.Ala2Thr; replaces alanine 2 with threonine.
Molecular consequence: missense variant.
Genome position (GRCh38, 1-based): chr17:6,713,330, C>T on the plus strand (G>A on the coding strand, the complement: SLC13A5 is on the minus strand). VCF-style: chr17-6713330-C-T. GRCh37 (hg19) VCF-style: chr17-6616649-C-T.
Other names: c.4G>A, p.Ala2Thr (NM_001143838.3, NM_001284509.2, NM_001284510.2); short protein forms A2T.
Identifiers: ClinVar variation 475199 (VCV000475199.12), dbSNP rs146396085, ClinGen allele CA8331901.

ClinVar aggregate classification (germline): Uncertain significance. Review status: criteria provided, multiple submitters, no conflicts (2 of 4 stars). 2 submissions from 2 submitters: Uncertain significance (2). Last evaluated 2025-07-22.

Conditions:
Inborn genetic diseases. Identifiers: MedGen C0950123, MeSH D030342.
Developmental and epileptic encephalopathy, 25 (DEE25). Also called: Epileptic encephalopathy, early infantile, 25; Developmental and epileptic encephalopathy 25, with amelogenesis imperfecta; Epileptic encephalopathy, early infantile, 25, with amelogenesis imperfecta. Identifiers: Orphanet 442835, MedGen C4014621, MONDO:0014392, OMIM 615905.

Allele frequency attached by ClinVar (database versions not stated): gnomAD exomes 0.00005; ExAC 0.00009; gnomAD 0.00011 and 0.00013; 1000 Genomes Project 30x 0.00016; TOPMed 0.00017; 1000 Genomes Project 0.00020; ESP Exome Variant Server 0.00031.
gnomAD v4.1: 45 of 1,613,598 alleles (0.0028%); highest among the groups gnomAD compares: African/African-American, 0.033%; no homozygotes.

Submissions (2):

Ambry Genetics
Classification: Uncertain significance for Inborn genetic diseases. Last evaluated: 2025-07-22. Review status: criteria provided, single submitter. Criteria: Ambry Variant Classification Scheme 2023. Collection method: clinical testing. Allele origin: germline.

Labcorp Genetics (formerly Invitae), Labcorp
Classification: Uncertain significance for Developmental and epileptic encephalopathy, 25. Last evaluated: 2022-11-01. Review status: criteria provided, single submitter. Criteria: Invitae Variant Classification Sherloc (09022015). Collection method: clinical testing. Allele origin: germline.
Comment: This sequence change replaces alanine, which is neutral and non-polar, with threonine, which is neutral and polar, at codon 2 of the SLC13A5 protein (p.Ala2Thr). This variant is present in population databases (rs146396085, gnomAD 0.05%). This variant has not been reported in the literature in individuals affected with SLC13A5-related conditions. ClinVar contains an entry for this variant (Variation ID: 475199). Algorithms developed to predict the effect of missense changes on protein structure and function (SIFT, PolyPhen-2, Align-GVGD) all suggest that this variant is likely to be tolerated. In summary, the available evidence is currently insufficient to determine the role of this variant in disease. Therefore, it has been classified as a Variant of Uncertain Significance.